The following is an entry in ClinVar:

ClinVar aggregate classification (germline): Uncertain significance (1 of 4 stars; one submission).

Submission:

GeneDx
Classification: Uncertain significance. Last evaluated: 2021-04-08. Review status: criteria provided, single submitter. Criteria: GeneDx Variant Classification Process June 2021. Collection method: clinical testing. Allele origin: germline. Affected: yes.
Comment: Not observed in large population cohorts (Lek et al., 2016); In-silico analysis is inconclusive as to whether the variant alters gene splicing. In the absence of RNA/functional studies, the actual effect of this sequence change is unknown.; Has not been previously published as pathogenic or benign to our knowledge

NM_000092.5(COL4A4):c.735G>C (p.Pro245=)

Gene: COL4A4 (collagen type IV alpha 4 chain; minus strand). Cytogenetic location: 2q36.3.
Variant type: single nucleotide variant.
Coding change: c.735G>C on transcript NM_000092.5 (MANE Select); coding-DNA position 735, G replaced by C.
Protein change: p.Pro245=; no amino-acid change (proline 245 retained).
Molecular consequence: synonymous variant.
Genome position (GRCh38, 1-based): chr2:227,108,581, C>G on the plus strand (G>C on the coding strand, the complement: COL4A4 is on the minus strand). VCF-style: chr2-227108581-C-G. GRCh37 (hg19) VCF-style: chr2-227973297-C-G.
Identifiers: ClinVar variation 1314715 (VCV001314715.2), dbSNP rs923865420, ClinGen allele CA431501983.